The following is an entry in ClinVar:

NM_015346.4(ZFYVE26):c.2283_2284dup (p.Arg762fs)

Gene: ZFYVE26 (zinc finger FYVE-type containing 26; minus strand). Cytogenetic location: 14q24.1.
Variant type: Microsatellite.
Coding change: c.2283_2284dup on transcript NM_015346.4 (MANE Select); coding-DNA positions 2283 to 2284, 2 bases duplicated (AC; older notation c.2283_2284dupAC).
Protein change: p.Arg762fs; shifts the reading frame from arginine 762.
Molecular consequence: frameshift variant.
Genome position (GRCh38, 1-based): chr14:67,797,720-67,797,721, GT duplicated on the plus strand (AC on the coding strand, the reverse complement: ZFYVE26 is on the minus strand); duplicating any 2 consecutive bases within chr14:67,797,720-67,797,724 gives the same sequence; the c. name uses the placement nearest the transcript's 3' end. VCF-style (leftmost placement, unchanged base first): chr14-67797719-C-CGT. GRCh37 (hg19) VCF-style: chr14-68264436-C-CGT.
Other names: short protein forms R762fs.
Identifiers: ClinVar variation 4687969 (VCV004687969.1).

ClinVar aggregate classification (germline): Pathogenic (1 of 4 stars; one submission).

Conditions:
Hereditary spastic paraplegia 15 (SPG15). Also called: SPASTIC PARAPLEGIA AND RETINAL DEGENERATION; SPASTIC PARAPLEGIA 15, AUTOSOMAL RECESSIVE; KJELLIN SYNDROME. Identifiers: Orphanet 100996, MedGen C1849128, MONDO:0010044, OMIM 270700.

Submission:

Human Genetics Bochum, Ruhr University Bochum
Classification: Pathogenic for Hereditary spastic paraplegia 15. Last evaluated: 2025-11-10. Review status: criteria provided, single submitter. Criteria: ACMG Guidelines, 2015. Collection method: clinical testing. Allele origin: germline. Affected: yes.
Comment: in homozygous state; ACMG criteria used to clasify this variant: PVS1, PM3, PM2_SUP